The following is an entry in ClinVar:

ClinVar aggregate classification (germline): Uncertain significance (1 of 4 stars; one submission).

Conditions:
Left ventricular noncompaction 8 (LVNC8). Identifiers: Orphanet 154, Orphanet 54260, MedGen C3809288, MONDO:0014152, OMIM 615373.

Submission:

Labcorp Genetics (formerly Invitae), Labcorp
Classification: Uncertain significance for Left ventricular noncompaction 8. Last evaluated: 2022-03-23. Review status: criteria provided, single submitter. Criteria: Invitae Variant Classification Sherloc (09022015). Collection method: clinical testing. Allele origin: germline.
Comment: This variant has not been reported in the literature in individuals affected with PRDM16-related conditions. In summary, the available evidence is currently insufficient to determine the role of this variant in disease. Therefore, it has been classified as a Variant of Uncertain Significance. Algorithms developed to predict the effect of missense changes on protein structure and function (SIFT, PolyPhen-2, Align-GVGD) all suggest that this variant is likely to be disruptive. This variant is not present in population databases (gnomAD no frequency). This sequence change replaces histidine, which is basic and polar, with tyrosine, which is neutral and polar, at codon 450 of the PRDM16 protein (p.His450Tyr).

NM_022114.4(PRDM16):c.1348C>T (p.His450Tyr)

Gene: PRDM16 (PR/SET domain 16; plus strand). Cytogenetic location: 1p36.32.
Variant type: single nucleotide variant.
Coding change: c.1348C>T on transcript NM_022114.4 (MANE Select); coding-DNA position 1348, C replaced by T.
Protein change: p.His450Tyr; replaces histidine 450 with tyrosine.
Molecular consequence: missense variant.
Genome position (GRCh38, 1-based): chr1:3,411,545, C>T. VCF-style: chr1-3411545-C-T. GRCh37 (hg19) VCF-style: chr1-3328109-C-T.
Other names: c.1348C>T, p.His450Tyr (NM_199454.3); short protein forms H450Y.
Identifiers: ClinVar variation 2116364 (VCV002116364.4), dbSNP rs751661453, ClinGen allele CA337997035.